The following is an entry in ClinVar:

ClinVar aggregate classification (germline): Uncertain significance. Review status: criteria provided, multiple submitters, no conflicts (2 of 4 stars). 3 submissions from 3 submitters: Uncertain significance (3). Last evaluated 2024-10-13.

Conditions:
Optic atrophy 12. Also called: Optic Atrophy Type 12 (OPA12). Identifiers: MedGen C5436534, MONDO:0033549, OMIM 618977.

Allele frequency attached by ClinVar (database versions not stated): gnomAD exomes below 0.00001.
gnomAD v4.1: 4 of 1,614,166 alleles (0.00025%); highest among the groups gnomAD compares: Non-Finnish European, 0.00017%; no homozygotes.

Submissions (3):

Genomic Medicine Center of Excellence, King Faisal Specialist Hospital and Research Centre
Classification: Uncertain significance for Optic atrophy 12. Last evaluated: 2024-10-13. Review status: criteria provided, single submitter. Criteria: ACMG Guidelines, 2015. Collection method: clinical testing. Allele origin: germline.
Comment: This variant (GRCh38; NM_006796.3:c.463G>A:p.Gly155Ser) results in a missense mutation with the conversion of Glycine (Polar amino acid) to Serine (Polar amino acid) in the AFG3L2 protein. Not observed at significant frequency in large population cohorts (gnomAD). Multiple lines of computational evidence of this variant suggest no impact of this variant on gene or gene product. A literature search was performed for the gene and associated variants. Based on this search no publications were found. Based on conflicting evidence or insufficient data to determine whether the variant is benign or pathogenic, the clinical significance of this alteration remains unclear. In summary, this variant meets our criteria for classification as of Unknown Clinical Significance based on the evidence outlined.

GeneDx
Classification: Uncertain significance. Last evaluated: 2023-10-20. Review status: criteria provided, single submitter. Criteria: GeneDx Variant Classification Process June 2021. Collection method: clinical testing. Allele origin: germline. Affected: yes.
Comment: Has not been previously published as pathogenic or benign to our knowledge; Not observed at significant frequency in large population cohorts (gnomAD); In silico analysis supports that this missense variant does not alter protein structure/function

Athena Diagnostics
Classification: Uncertain significance. Last evaluated: 2018-08-27. Review status: criteria provided, single submitter. Criteria: Athena Diagnostics Criteria. Collection method: clinical testing. Allele origin: germline.

NM_006796.3(AFG3L2):c.463G>A (p.Gly155Ser)

Gene: AFG3L2 (AFG3 like matrix AAA peptidase subunit 2; minus strand). Cytogenetic location: 18p11.21.
Variant type: single nucleotide variant.
Coding change: c.463G>A on transcript NM_006796.3 (MANE Select); coding-DNA position 463, G replaced by A.
Protein change: p.Gly155Ser; replaces glycine 155 with serine.
Molecular consequence: missense variant.
Genome position (GRCh38, 1-based): chr18:12,367,054, C>T on the plus strand (G>A on the coding strand, the complement: AFG3L2 is on the minus strand). VCF-style: chr18-12367054-C-T. GRCh37 (hg19) VCF-style: chr18-12367053-C-T.
Other names: p.G155S:GGT>AGT; short protein forms G155S.
Identifiers: ClinVar variation 214049 (VCV000214049.3), dbSNP rs863223888, ClinGen allele CA323160.